The following is an entry in ClinVar:

ClinVar aggregate classification (germline): Pathogenic. Review status: reviewed by expert panel (3 of 4 stars). 6 submissions from 6 submitters: Pathogenic (1). 5 of the submissions do not count toward it. Last evaluated 2016-09-08.

Conditions:
Hereditary breast ovarian cancer syndrome. Also called: Hereditary breast and ovarian cancer syndrome; Hereditary breast and ovarian cancer; Hereditary breast and ovarian cancer syndrome (HBOC); Breast and ovarian cancer; Hereditary breast and/or ovarian cancer syndrome; BRCA1- and BRCA2-Associated Hereditary Breast and Ovarian Cancer. Identifiers: Orphanet 145, MedGen C0677776, MeSH D061325, MONDO:0003582. Disease mechanism: loss of function.
Hereditary cancer-predisposing syndrome. Also called: Neoplastic Syndromes, Hereditary; Tumor predisposition; Hereditary Cancer Syndrome; Hereditary neoplastic syndrome. Identifiers: Orphanet 140162, MedGen C0027672, MeSH D009386, MONDO:0015356.
Breast-ovarian cancer, familial, susceptibility to, 2 (BROVCA2). Also called: BRCA2 Hereditary Breast and Ovarian Cancer. Identifiers: Orphanet 145, MedGen C2675520, MONDO:0012933, OMIM 612555. Disease mechanism: loss of function.

Submissions (6):

Evidence-based Network for the Interpretation of Germline Mutant Alleles (ENIGMA)
Classification: Pathogenic for Breast-ovarian cancer, familial, susceptibility to, 2. Last evaluated: 2016-09-08. Review status: reviewed by expert panel. Criteria: ENIGMA BRCA1/2 Classification Criteria (2015). Collection method: curation. Allele origin: germline.
Comment: Variant allele predicted to encode a truncated non-functional protein.

Ambry Genetics
Classification: Pathogenic for Hereditary cancer-predisposing syndrome. Last evaluated: 2023-06-02. Review status: criteria provided, single submitter. Criteria: Ambry Variant Classification Scheme 2023. Collection method: clinical testing. Allele origin: germline. Not counted in ClinVar's aggregate classification.
Comment: The c.3202delG pathogenic mutation, located in coding exon 10 of the BRCA2 gene, results from a deletion of one nucleotide at nucleotide position 3202, causing a translational frameshift with a predicted alternate stop codon (p.V1068Yfs*9). This mutation was observed in 1/7051 unselected female breast cancer patients and was not observed in 11241 female controls of Japanese ancestry (Momozawa Y et al. Nat Commun, 2018 10;9:4083). This mutation was also observed in 1/651 Chinese high-risk breast and/or ovarian cancer patients (Kwong A et al. PLoS ONE, 2012 Sep;7:e43994). This mutation has been identified in a large, worldwide study of BRCA1/2 mutation positive families (Rebbeck TR et al. Hum. Mutat., 2018 05;39:593-620). In addition to the clinical data presented in the literature, this alteration is expected to result in loss of function by premature protein truncation or nonsense-mediated mRNA decay. As such, this alteration is interpreted as a disease-causing mutation.

Labcorp Genetics (formerly Invitae), Labcorp
Classification: Pathogenic for Hereditary breast ovarian cancer syndrome. Last evaluated: 2020-10-06. Review status: criteria provided, single submitter. Criteria: Invitae Variant Classification Sherloc (09022015). Collection method: clinical testing. Allele origin: germline. Not counted in ClinVar's aggregate classification.
Comment: For these reasons, this variant has been classified as Pathogenic. This sequence change creates a premature translational stop signal (p.Val1068Tyrfs*9) in the BRCA2 gene. It is expected to result in an absent or disrupted protein product. This variant is not present in population databases (ExAC no frequency). This variant has been observed in individual(s) with breast and/or ovarian cancer (PMID: 22970155, 30702160). ClinVar contains an entry for this variant (Variation ID: 51422). Loss-of-function variants in BRCA2 are known to be pathogenic (PMID: 20104584).

Consortium of Investigators of Modifiers of BRCA1/2 (CIMBA), c/o University of Cambridge
Classification: Pathogenic for Breast-ovarian cancer, familial, susceptibility to, 2. Last evaluated: 2015-10-02. Review status: criteria provided, single submitter. Criteria: CIMBA Mutation Classification guidelines May 2016. Collection method: clinical testing. Allele origin: germline. Not counted in ClinVar's aggregate classification.

Research Molecular Genetics Laboratory, Women's College Hospital, University of Toronto
Classification: Pathogenic for Hereditary breast ovarian cancer syndrome. Last evaluated: 2014-01-31. Review status: no assertion criteria provided. Collection method: research. Allele origin: germline. Affected: yes. Study: The Canadian Open Genetics Repository (COGR). Not counted in ClinVar's aggregate classification.

Breast Cancer Information Core (BIC) (BRCA2)
Classification: Pathogenic for Breast-ovarian cancer, familial 2. Last evaluated: 2013-02-20. Review status: no assertion criteria provided. Collection method: clinical testing. Allele origin: somatic. Affected: yes. Observed: 1 variant allele. Not counted in ClinVar's aggregate classification.

Literature cited by the submitters: PubMed 22970155 (cited by Ambry Genetics and Labcorp Genetics (formerly Invitae), Labcorp); PubMed 29446198 (cited by Ambry Genetics); PubMed 30287823 (cited by Ambry Genetics); PubMed 30702160 (cited by Labcorp Genetics (formerly Invitae), Labcorp); PubMed 20104584 (cited by Labcorp Genetics (formerly Invitae), Labcorp).

NM_000059.4(BRCA2):c.3202del (p.Val1068fs)

Gene: BRCA2 (BRCA2 DNA repair associated; plus strand). Cytogenetic location: 13q13.1.
Variant type: Deletion.
Coding change: c.3202del on transcript NM_000059.4 (MANE Select); coding-DNA position 3202, one base deleted (G; older notation c.3202delG).
Protein change: p.Val1068fs; shifts the reading frame from valine 1068.
Molecular consequence: frameshift variant.
Genome position (GRCh38, 1-based): chr13:32,337,557, G deleted. VCF-style (leftmost placement, unchanged base first): chr13-32337556-TG-T. GRCh37 (hg19) VCF-style: chr13-32911693-TG-T.
Other names: 3430delG; c.3202delG (NM_000059.3).
Identifiers: ClinVar variation 51422 (VCV000051422.17), dbSNP rs397507658, ClinGen allele CA017531.